The following is an entry in ClinVar:

NM_003126.4(SPTA1):c.7119AGA[1] (p.Glu2374del)

Gene: SPTA1 (spectrin alpha, erythrocytic 1; minus strand). Cytogenetic location: 1q23.1.
Variant type: Microsatellite.
Coding change: c.7119AGA[1] on transcript NM_003126.4 (MANE Select); one copy of the 3-base unit AGA starting at c.7119; the reference has two copies in a row; one copy, 3 bases deleted; also written c.7122_7124del.
Protein change: p.Glu2374del; deletes glutamic acid 2374.
Molecular consequence: inframe deletion.
Genome position (GRCh38, 1-based): chr1:158,612,827-158,612,829, TCT deleted on the plus strand (AGA on the coding strand, the reverse complement: SPTA1 is on the minus strand); deleting any 3 consecutive bases within chr1:158,612,827-158,612,833 gives the same sequence; the position shown is the placement nearest the transcript's 3' end. VCF-style (leftmost placement, unchanged base first): chr1-158612826-GTCT-G. GRCh37 (hg19) VCF-style: chr1-158582616-GTCT-G.
Other names: c.7122_7124del (NM_003126.4); short protein forms E2374del.
Identifiers: ClinVar variation 2436331 (VCV002436331.5), dbSNP rs1649341758, ClinGen allele CA1008229116.

ClinVar aggregate classification (germline): Uncertain significance. Review status: criteria provided, multiple submitters, no conflicts (2 of 4 stars). 3 submissions from 3 submitters: Uncertain significance (3). Last evaluated 2025-03-19.

Submissions (3):

Labcorp Genetics (formerly Invitae), Labcorp
Classification: Uncertain significance. Last evaluated: 2025-03-19. Review status: criteria provided, single submitter. Criteria: Invitae Variant Classification Sherloc (09022015). Collection method: clinical testing. Allele origin: germline.
Comment: This variant, c.7122_7124del, results in the deletion of 1 amino acid(s) of the SPTA1 protein (p.Glu2374del), but otherwise preserves the integrity of the reading frame. This variant is not present in population databases (gnomAD no frequency). This variant has not been reported in the literature in individuals affected with SPTA1-related conditions. Experimental studies and prediction algorithms are not available or were not evaluated, and the functional significance of this variant is currently unknown. In summary, the available evidence is currently insufficient to determine the role of this variant in disease. Therefore, it has been classified as a Variant of Uncertain Significance.

Revvity Omics, Revvity
Classification: Uncertain significance. Last evaluated: 2024-12-24. Review status: criteria provided, single submitter. Criteria: ACMG Guidelines, 2015. Collection method: clinical testing. Allele origin: germline.

ARUP Laboratories, Molecular Genetics and Genomics, ARUP Laboratories
Classification: Uncertain significance. Last evaluated: 2024-02-06. Review status: criteria provided, single submitter. Criteria: ARUP Molecular Germline Variant Investigation Process 2024. Collection method: clinical testing. Allele origin: germline.